The following is an entry in ClinVar:

NM_000090.4(COL3A1):c.1211C>T (p.Pro404Leu)

Gene: COL3A1 (collagen type III alpha 1 chain; plus strand). Cytogenetic location: 2q32.2.
Variant type: single nucleotide variant.
Coding change: c.1211C>T on transcript NM_000090.4 (MANE Select); coding-DNA position 1211, C replaced by T.
Protein change: p.Pro404Leu; replaces proline 404 with leucine.
Molecular consequence: missense variant.
Genome position (GRCh38, 1-based): chr2:188,994,250, C>T. VCF-style: chr2-188994250-C-T. GRCh37 (hg19) VCF-style: chr2-189858976-C-T.
Other names: short protein forms P404L.
Identifiers: ClinVar variation 3386444 (VCV003386444.1).
Genomic context (GRCh38, chr2:188,994,250, plus strand): 5'-AACATTCAAGTTCGGCTAATATAGTGTCTTTGGTTTGTTCTTAGGGTCCCGCTGGCATTC[C>T]TGGAGCTCCTGGACTGATGGGAGCCCGGGGTCCTCCAGGACCAGCCGGTGCTAATGGTGC-3'
Protein context (NP_000081.2, residues 394-414): GKGEMGPAGI[Pro404Leu]GAPGLMGARG

ClinVar aggregate classification (germline): Uncertain significance (1 of 4 stars; one submission).

Conditions:
Ehlers-Danlos syndrome, type 4 (EDSVASC). Also called: Ehlers-Danlos syndrome vascular type; Ehlers Danlos syndrome, ecchymotic type; Ehlers Danlos syndrome, arterial type; Ehlers Danlos syndrome, Sack-Barabas type; Ehlers-Danlos Syndrome Type IV. Identifiers: Orphanet 286, MedGen C0268338, MONDO:0017314, OMIM 130050.

Submission:

All of Us Research Program, National Institutes of Health
Classification: Uncertain significance for Ehlers-Danlos syndrome, type 4. Last evaluated: 2024-08-06. Review status: criteria provided, single submitter. Criteria: ACMG Guidelines, 2015. Collection method: clinical testing. Allele origin: germline. Inheritance: Autosomal dominant inheritance. Observed: 1 variant allele, 1 heterozygote.
Comment: This study involves interpretation of variants in research participants for the purpose of population health screening. Participant phenotype was not available at the time of variant classification. Additional details can be found in publication PMID: 35346344, PMCID: PMC8962531